The following is an entry in ClinVar:

ClinVar aggregate classification (germline): Pathogenic/Likely pathogenic. Review status: criteria provided, multiple submitters, no conflicts (2 of 4 stars). 2 submissions from 2 submitters: Pathogenic (1); Likely pathogenic (1). Last evaluated 2026-09-08.

Conditions:
Fabry disease. Also called: Angiokeratoma corporis diffusum; ALPHA-GALACTOSIDASE A DEFICIENCY; ANDERSON-FABRY DISEASE; CERAMIDE TRIHEXOSIDASE DEFICIENCY; Fabry's disease; GLA DEFICIENCY. Identifiers: Orphanet 324, MedGen C0002986, MONDO:0010526, OMIM 301500, HP:0001071. Disease mechanism: loss of function, Fabry disease is due to inactivating mutations in the X-linked GLA gene resulting in deficiency of the enzyme Alpha Galactosidase-A..

Submissions (4):

Genomenon, Inc
Classification: Pathogenic for Fabry disease. Last evaluated: 2026-09-08. Review status: criteria provided, single submitter. Criteria: Genomenon Sequence Variant Interpretation Standards - Updated. Collection method: curation. Allele origin: germline. Affected: yes.
Comment: GLA c.639+2T>C is a canonical splice variant affecting the donor splice site of intron 4. It is predicted to affect mRNA splicing, leading to a deleterious effect on the GLA protein. This variant has been observed in at least one proband with clinical features consistent with Fabry disease (PMID:9100224). It is absent or not present at a significant frequency in gnomAD. In conclusion, we classify GLA c.639+2T>C as a pathogenic variant.

Labcorp Genetics (formerly Invitae), Labcorp
Classification: Likely pathogenic for Fabry disease. Last evaluated: 2021-05-30. Review status: criteria provided, single submitter. Criteria: Invitae Variant Classification Sherloc (09022015). Collection method: clinical testing. Allele origin: germline.
Comment: In summary, the currently available evidence indicates that the variant is pathogenic, but additional data are needed to prove that conclusively. Therefore, this variant has been classified as Likely Pathogenic. Algorithms developed to predict the effect of sequence changes on RNA splicing suggest that this variant may disrupt the consensus splice site, but this prediction has not been confirmed by published transcriptional studies. This variant has been observed in individual(s) with Fabry disease (PMID: 9100224). This variant is not present in population databases (ExAC no frequency). This sequence change affects a donor splice site in intron 4 of the GLA gene. It is expected to disrupt RNA splicing. Variants that disrupt the donor or acceptor splice site typically lead to a loss of protein function (PMID: 16199547), and loss-of-function variants in GLA are known to be pathogenic (PMID: 10666480, 12175777).

Dr. Peter K. Rogan Lab, Western University
No classification provided (evidence only). Condition: Nonpapillary renal cell carcinoma. Review status: no classification provided. Collection method: in vitro. Allele origin: not applicable. Functional consequence: retained intron. Not counted in ClinVar's aggregate classification.

Dr. Peter K. Rogan Lab, Western University
No classification provided (evidence only). Condition: Nonpapillary renal cell carcinoma. Review status: no classification provided. Collection method: in vitro. Allele origin: not applicable. Functional consequence: skipped exon. Not counted in ClinVar's aggregate classification.

Literature cited by the submitters: PubMed 9100224 (cited by Genomenon, Inc and Labcorp Genetics (formerly Invitae), Labcorp); PubMed 16199547 (cited by Labcorp Genetics (formerly Invitae), Labcorp); PubMed 10666480 (cited by Labcorp Genetics (formerly Invitae), Labcorp); PubMed 12175777 (cited by Labcorp Genetics (formerly Invitae), Labcorp).

NM_000169.3(GLA):c.639+2T>C

Genes: GLA (galactosidase alpha; minus strand), RPL36A-HNRNPH2 (RPL36A-HNRNPH2 readthrough; plus strand). Cytogenetic location: Xq22.1.
Variant type: single nucleotide variant.
Coding change: c.639+2T>C on transcript NM_000169.3 (MANE Select); the canonical splice donor site of the intron after coding-DNA position 639, T replaced by C.
Molecular consequence: splice donor variant. On other transcripts: intron variant (2).
Genome position (GRCh38, 1-based): chrX:101,400,664, A>G on the plus strand (T>C on the coding strand, the complement: GLA is on the minus strand). VCF-style: chrX-101400664-A-G. GRCh37 (hg19) VCF-style: chrX-100655652-A-G.
Other names: c.300+5207A>G (NM_001199973.2); c.177+8842A>G (NM_001199974.2); c.762+2T>C (NM_001406747.1); c.639+2T>C (NM_001406748.1).
Identifiers: ClinVar variation 1507668 (VCV001507668.11), dbSNP rs2147475773, ClinGen allele CA413927014.